The following is an entry in ClinVar:

ClinVar aggregate classification (germline): Conflicting classifications of pathogenicity. Review status: criteria provided, conflicting classifications (1 of 4 stars). 8 submissions from 8 submitters: Uncertain significance (6); Likely benign (1). 1 of the submissions does not count toward it. Last evaluated 2025-12-13.

Conditions:
ATM-related cancer predisposition. Also called: ATM-related cancer susceptibility. Identifiers: MedGen CN377759, MONDO:0700270.
Hereditary cancer-predisposing syndrome. Also called: Hereditary Cancer Syndrome; Tumor predisposition; Hereditary neoplastic syndrome; Neoplastic Syndromes, Hereditary. Identifiers: Orphanet 140162, MedGen C0027672, MeSH D009386, MONDO:0015356.
Familial cancer of breast. Also called: hereditary breast carcinoma; BREAST CANCER, FAMILIAL; Hereditary breast cancer. Identifiers: Orphanet 227535, MedGen C0346153, MONDO:0016419, OMIM 114480. Disease mechanism: loss of function.
Ataxia-telangiectasia syndrome (AT). Also called: ATAXIA-TELANGIECTASIA, COMPLEMENTATION GROUP A; ATAXIA-TELANGIECTASIA, FRESNO VARIANT; Ataxia-telangiectasia, complementation group E; Ataxia-telangiectasia; Ataxia telangiectasia (A-T); LOUIS-BAR SYNDROME. Identifiers: Orphanet 100, MedGen C0004135, MONDO:0008840, OMIM 208900.

Allele frequency attached by ClinVar (database versions not stated): TOPMed below 0.00001; gnomAD 0.00001; ExAC 0.00002; gnomAD exomes 0.00003; 1000 Genomes Project 30x 0.00016; 1000 Genomes Project 0.00020.
gnomAD v4.1: 21 of 1,614,154 alleles (0.0013%); highest among the groups gnomAD compares: South Asian, 0.02%; no homozygotes.

Submissions (8):

Labcorp Genetics (formerly Invitae), Labcorp
Classification: Uncertain significance for Ataxia-telangiectasia syndrome. Last evaluated: 2025-12-13. Review status: criteria provided, single submitter. Criteria: Invitae Variant Classification Sherloc (09022015). Collection method: clinical testing. Allele origin: germline.
Comment: This sequence change replaces valine, which is neutral and non-polar, with alanine, which is neutral and non-polar, at codon 519 of the ATM protein (p.Val519Ala). This variant is present in population databases (rs574458765, gnomAD 0.03%). This variant has not been reported in the literature in individuals affected with ATM-related conditions. ClinVar contains an entry for this variant (Variation ID: 407704). Invitae Evidence Modeling of protein sequence and biophysical properties (such as structural, functional, and spatial information, amino acid conservation, physicochemical variation, residue mobility, and thermodynamic stability) indicates that this missense variant is not expected to disrupt ATM protein function with a negative predictive value of 95%. In summary, the available evidence is currently insufficient to determine the role of this variant in disease. Therefore, it has been classified as a Variant of Uncertain Significance.

GeneDx
Classification: Uncertain significance. Last evaluated: 2025-06-03. Review status: criteria provided, single submitter. Criteria: GeneDx Variant Classification Process June 2021. Collection method: clinical testing. Allele origin: germline.
Comment: In silico analysis suggests that this missense variant does not alter protein structure/function; Observed only in controls in a breast cancer case-control study (PMID: 33471991); This variant is associated with the following publications: (PMID: 33471991)

Ambry Genetics
Classification: Likely benign for Hereditary cancer-predisposing syndrome. Last evaluated: 2025-01-31. Review status: criteria provided, single submitter. Criteria: Ambry Variant Classification Scheme 2023. Collection method: clinical testing. Allele origin: germline.

Quest Diagnostics Nichols Institute San Juan Capistrano
Classification: Uncertain significance. Last evaluated: 2024-12-06. Review status: criteria provided, single submitter. Criteria: Quest Diagnostics criteria. Collection method: clinical testing. Allele origin: unknown.

Department of Pathology and Laboratory Medicine, Sinai Health System
Classification: Uncertain significance for ATM-related cancer predisposition. Last evaluated: 2024-07-16. Review status: criteria provided, single submitter. Criteria: ACMG Guidelines, 2015. Collection method: clinical testing. Allele origin: germline.

Baylor Genetics
Classification: Uncertain significance for Familial cancer of breast. Last evaluated: 2023-12-12. Review status: criteria provided, single submitter. Criteria: ACMG Guidelines, 2015. Collection method: clinical testing. Allele origin: unknown.

Color Diagnostics, LLC DBA Color Health
Classification: Uncertain significance for Hereditary cancer-predisposing syndrome. Last evaluated: 2022-06-13. Review status: criteria provided, single submitter. Criteria: ACMG Guidelines, 2015. Collection method: clinical testing. Allele origin: germline.
Comment: This missense variant replaces valine with alanine at codon 519 of the ATM protein. Computational prediction suggests that this variant may not impact protein structure and function (internally defined REVEL score threshold <= 0.5, PMID: 27666373). To our knowledge, functional studies have not been reported for this variant. This variant has not been reported in individuals affected with hereditary cancer in the literature. This variant has been identified in 8/250954 chromosomes in the general population by the Genome Aggregation Database (gnomAD). The available evidence is insufficient to determine the role of this variant in disease conclusively. Therefore, this variant is classified as a Variant of Uncertain Significance.

Natera, Inc.
Classification: Uncertain significance for Ataxia-telangiectasia. Last evaluated: 2019-10-28. Review status: no assertion criteria provided. Collection method: clinical testing. Allele origin: germline. Not counted in ClinVar's aggregate classification.

Literature cited by the submitters: PubMed 33471991 (cited by Department of Pathology and Laboratory Medicine, Sinai Health System).

NM_000051.4(ATM):c.1556T>C (p.Val519Ala)

Gene: ATM (ATM serine/threonine kinase; plus strand). Cytogenetic location: 11q22.3.
Variant type: single nucleotide variant.
Coding change: c.1556T>C on transcript NM_000051.4 (MANE Select); coding-DNA position 1556, T replaced by C.
Protein change: p.Val519Ala; replaces valine 519 with alanine.
Molecular consequence: missense variant.
Genome position (GRCh38, 1-based): chr11:108,251,021, T>C. VCF-style: chr11-108251021-T-C. GRCh37 (hg19) VCF-style: chr11-108121748-T-C.
Other names: c.1556T>C, p.Val519Ala (NM_001351834.2); short protein forms V519A.
Identifiers: ClinVar variation 407704 (VCV000407704.26), dbSNP rs574458765, ClinGen allele CA6264827.